The following is an entry in ClinVar:

ClinVar aggregate classification (germline): Uncertain significance (1 of 4 stars; one submission).

Submission:

GeneDx
Classification: Uncertain significance. Last evaluated: 2024-11-01. Review status: criteria provided, single submitter. Criteria: GeneDx Variant Classification Process June 2021. Collection method: clinical testing. Allele origin: germline. Affected: yes.
Comment: Not observed at significant frequency in large population cohorts (gnomAD); In silico analysis supports that this missense variant has a deleterious effect on protein structure/function; Has not been previously published as pathogenic or benign to our knowledge

NM_001291415.2(KDM6A):c.175T>C (p.Phe59Leu)

Genes: KDM6A (lysine demethylase 6A; plus strand), LOC130068183 (ATAC-STARR-seq lymphoblastoid silent region 20785; plus strand). Cytogenetic location: Xp11.3.
Variant type: single nucleotide variant.
Coding change: c.175T>C on transcript NM_001291415.2 (MANE Select); coding-DNA position 175, T replaced by C.
Protein change: p.Phe59Leu; replaces phenylalanine 59 with leucine.
Molecular consequence: missense variant. On other transcripts: 5 prime UTR variant (1), non-coding transcript variant (1).
Genome position (GRCh38, 1-based): chrX:44,873,937, T>C. VCF-style: chrX-44873937-T-C. GRCh37 (hg19) VCF-style: chrX-44733183-T-C.
Other names: c.175T>C, p.Phe59Leu (NM_001291416.2, NM_001291417.2, NM_001291418.2 and 9 more transcripts); c.-458T>C (NM_001291421.2); short protein forms F59L.
Identifiers: ClinVar variation 3897080 (VCV003897080.1).